The following is an entry in ClinVar:

NM_002474.3(MYH11):c.3093G>A (p.Lys1031=)

Gene: MYH11 (myosin heavy chain 11; minus strand). Cytogenetic location: 16p13.11.
Variant type: single nucleotide variant.
Coding change: c.3093G>A on transcript NM_002474.3 (MANE Select); coding-DNA position 3093, G replaced by A.
Protein change: p.Lys1031=; no amino-acid change (lysine 1031 retained).
Molecular consequence: synonymous variant.
Genome position (GRCh38, 1-based): chr16:15,738,593, C>T on the plus strand (G>A on the coding strand, the complement: MYH11 is on the minus strand). VCF-style: chr16-15738593-C-T. GRCh37 (hg19) VCF-style: chr16-15832450-C-T.
Other names: c.3114G>A, p.Lys1038= (NM_001040113.2, NM_001040114.2); c.3093G>A, p.Lys1031= (NM_022844.3).
Identifiers: ClinVar variation 2919103 (VCV002919103.4), dbSNP rs2041188784, ClinGen allele CA493783302.
Genomic context (GRCh38, chr16:15,738,593, plus strand): 5'-AATAAAAATAAATCTCTTGGTAGCTGGTTTACCTTCCAGTTCTGAAATCATAGATTCATG[C>T]TTGTTTTTCAGCTTGGTAAGATTCTTGGCCTTTTCTTCCTCTTCTGCAAGATTTGTCGTT-3'
Protein context (NP_002465.1, residues 1021-1041): KAKNLTKLKN[Lys1031=]HESMISELEV

ClinVar aggregate classification (germline): Likely benign. Review status: criteria provided, multiple submitters, no conflicts (2 of 4 stars). 2 submissions from 2 submitters: Likely benign (2). Last evaluated 2026-01-19.

Conditions:
Familial thoracic aortic aneurysm and aortic dissection (TAAD). Also called: Thoracic aortic aneurysms and dissections. Identifiers: Orphanet 91387, MedGen C4707243, MONDO:0019625.
Aortic aneurysm, familial thoracic 4 (AAT4). Also called: AORTIC ANEURYSM/AORTIC DISSECTION AND PATENT DUCTUS ARTERIOSUS. Identifiers: MedGen C1851504, MONDO:0007568, OMIM 132900.

Allele frequency attached by ClinVar (database versions not stated): gnomAD exomes below 0.00001.
gnomAD v4.1: 3 of 1,613,940 alleles (0.00019%); highest among the groups gnomAD compares: South Asian, 0.0011%; no homozygotes.

Submissions (2):

Labcorp Genetics (formerly Invitae), Labcorp
Classification: Likely benign for Aortic aneurysm, familial thoracic 4. Last evaluated: 2026-01-19. Review status: criteria provided, single submitter. Criteria: Invitae Variant Classification Sherloc (09022015). Collection method: clinical testing. Allele origin: germline.

All of Us Research Program, National Institutes of Health
Classification: Likely benign for Familial thoracic aortic aneurysm and aortic dissection. Last evaluated: 2024-02-05. Review status: criteria provided, single submitter. Criteria: ACMG Guidelines, 2015. Collection method: clinical testing. Allele origin: germline. Inheritance: Autosomal dominant inheritance. Observed: 1 variant allele, 1 heterozygote.
Comment: This study involves interpretation of variants in research participants for the purpose of population health screening. Participant phenotype was not available at the time of variant classification. Additional details can be found in publication PMID: 35346344, PMCID: PMC8962531